The following is an entry in ClinVar:

NM_001127255.2(NLRP7):c.2937C>T (p.Leu979=)

Genes: NCR1 (natural cytotoxicity triggering receptor 1), NLRP7 (NLR family pyrin domain containing 7; minus strand). Cytogenetic location: 19q13.42.
Variant type: single nucleotide variant.
Coding change: c.2937C>T on transcript NM_001127255.2 (MANE Select); coding-DNA position 2937, C replaced by T.
Protein change: p.Leu979=; no amino-acid change (leucine 979 retained).
Molecular consequence: synonymous variant. On other transcripts: intron variant (1).
Genome position (GRCh38, 1-based): chr19:54,927,649, G>A on the plus strand (C>T on the coding strand, the complement: NLRP7 is on the minus strand). VCF-style: chr19-54927649-G-A. GRCh37 (hg19) VCF-style: chr19-55439017-G-A.
Other names: c.2937C>T, p.Leu979= (NM_001405531.1); c.2853C>T, p.Leu951= (NM_139176.4); c.2810+2850C>T (NM_206828.4).
Identifiers: ClinVar variation 3025641 (VCV003025641.22), dbSNP rs148164395, ClinGen allele CA310005910.

ClinVar aggregate classification (germline): Likely benign (1 of 4 stars; one submission).

gnomAD v4.1: 30 of 1,614,036 alleles (0.0019%); highest among the groups gnomAD compares: Middle Eastern, 0.033%; no homozygotes.

Submission:

CeGaT Center for Human Genetics Tuebingen
Classification: Likely benign. Last evaluated: 2024-01-01. Review status: criteria provided, single submitter. Criteria: CeGaT Center For Human Genetics Tuebingen Variant Classification Criteria Version 2. Collection method: clinical testing. Allele origin: germline. Affected: yes. Observed: 1 variant allele.
Comment: NLRP7: BP4, BP7